The following is an entry in ClinVar:

ClinVar aggregate classification (germline): Pathogenic. Review status: criteria provided, single submitter (1 of 4 stars). 3 submissions from 3 submitters: Pathogenic (1). 2 of the submissions do not count toward it. Last evaluated 2020-07-24.

Conditions:
Corneal dystrophy, Meesmann, 1 (MECD1). Identifiers: Orphanet 98954, MedGen C5231499, MONDO:0020791, OMIM 122100.

Submissions (3):

GeneDx
Classification: Pathogenic. Last evaluated: 2020-07-24. Review status: criteria provided, single submitter. Criteria: GeneDx Variant Classification Process June 2021. Collection method: clinical testing. Allele origin: germline. Affected: yes.
Comment: Not observed in large population cohorts (Lek et al., 2016); In silico analysis supports that this missense variant has a deleterious effect on protein structure/function; This variant is associated with the following publications: (PMID: 10644419, 20577595, 23569037, 18806880, 26788030, 12700042, 17653038, 16900028, 16352477, 19337156)

OMIM
Classification: Pathogenic for CORNEAL DYSTROPHY, MEESMANN, 1. Last evaluated: 2000-01-01. Review status: no assertion criteria provided. Collection method: literature only. Allele origin: germline. Not counted in ClinVar's aggregate classification.

Epithelial Biology;  Institute of Medical Biology, Singapore
No classification provided. Review status: no classification provided. Collection method: not provided. Allele origin: not provided. Not counted in ClinVar's aggregate classification.

Literature cited by the submitters: PubMed 10644419 (cited by OMIM).

NM_000223.4(KRT12):c.386T>C (p.Met129Thr)

Gene: KRT12 (keratin 12; minus strand). Cytogenetic location: 17q21.2.
Variant type: single nucleotide variant.
Coding change: c.386T>C on transcript NM_000223.4 (MANE Select); coding-DNA position 386, T replaced by C.
Protein change: p.Met129Thr; replaces methionine 129 with threonine.
Molecular consequence: missense variant.
Genome position (GRCh38, 1-based): chr17:40,866,801, A>G on the plus strand (T>C on the coding strand, the complement: KRT12 is on the minus strand). VCF-style: chr17-40866801-A-G. GRCh37 (hg19) VCF-style: chr17-39023053-A-G.
Other names: short protein forms M129T.
Identifiers: ClinVar variation 7927 (VCV000007927.5), dbSNP rs28936695, ClinGen allele CA119163.